The following is an entry in ClinVar:

NM_000363.5(TNNI3):c.220C>G (p.Arg74Gly)

Gene: TNNI3 (troponin I3, cardiac type; minus strand). Cytogenetic location: 19q13.42.
Variant type: single nucleotide variant.
Coding change: c.220C>G on transcript NM_000363.5 (MANE Select); coding-DNA position 220, C replaced by G.
Protein change: p.Arg74Gly; replaces arginine 74 with glycine.
Molecular consequence: missense variant.
Genome position (GRCh38, 1-based): chr19:55,156,263, G>C on the plus strand (C>G on the coding strand, the complement: TNNI3 is on the minus strand). VCF-style: chr19-55156263-G-C. GRCh37 (hg19) VCF-style: chr19-55667631-G-C.
Other names: short protein forms R74G.
Identifiers: ClinVar variation 1787738 (VCV001787738.5), dbSNP rs375795196, ClinGen allele CA050681.

ClinVar aggregate classification (germline): Uncertain significance. Review status: criteria provided, multiple submitters, no conflicts (2 of 4 stars). 4 submissions from 4 submitters: Uncertain significance (4). Last evaluated 2025-07-21.

Conditions:
Cardiovascular phenotype. Identifiers: MedGen CN230736.
Hypertrophic cardiomyopathy. Also called: HYPERTROPHIC MYOCARDIOPATHY. Identifiers: Orphanet 217569, MedGen C0007194, MeSH D002312, MONDO:0005045, HP:0001639.

Submissions (4):

GeneDx
Classification: Uncertain significance. Last evaluated: 2025-07-21. Review status: criteria provided, single submitter. Criteria: GeneDx Variant Classification Process June 2021. Collection method: clinical testing. Allele origin: germline. Affected: yes.
Comment: Not observed at significant frequency in large population cohorts (gnomAD); In silico analysis supports that this missense variant has a deleterious effect on protein structure/function; This variant is associated with the following publications: (PMID: 29907873, 20086309, 27600940)

All of Us Research Program, National Institutes of Health
Classification: Uncertain significance for Hypertrophic cardiomyopathy. Last evaluated: 2024-05-30. Review status: criteria provided, single submitter. Criteria: ACMG Guidelines, 2015. Collection method: clinical testing. Allele origin: germline. Inheritance: Autosomal dominant inheritance. Observed: 1 variant allele, 1 heterozygote.
Comment: This missense variant replaces arginine with glycine at codon 74 of the TNNI3 protein. Computational prediction tools indicate that this variant has a deleterious impact on protein structure and function. To our knowledge, functional studies have not been reported for this variant. This variant has been reported in one individual affected with hypertrophic cardiomyopathy (PMID: 27600940). This variant has been identified in 1/239156 chromosomes in the general population by the Genome Aggregation Database (gnomAD). The available evidence is insufficient to determine the role of this variant in disease conclusively. Therefore, this variant is classified as a Variant of Uncertain Significance.

This study involves interpretation of variants in research participants for the purpose of population health screening. Participant phenotype was not available at the time of variant classification. Additional details can be found in publication PMID: 35346344, PMCID: PMC8962531

Labcorp Genetics (formerly Invitae), Labcorp
Classification: Uncertain significance for Hypertrophic cardiomyopathy. Last evaluated: 2024-04-09. Review status: criteria provided, single submitter. Criteria: Invitae Variant Classification Sherloc (09022015). Collection method: clinical testing. Allele origin: germline.
Comment: This sequence change replaces arginine, which is basic and polar, with glycine, which is neutral and non-polar, at codon 74 of the TNNI3 protein (p.Arg74Gly). This variant is present in population databases (rs375795196, gnomAD 0.0009%). This missense change has been observed in individual(s) with clinical features of TNNI3-related conditions (PMID: 27600940). ClinVar contains an entry for this variant (Variation ID: 1787738). An algorithm developed to predict the effect of missense changes on protein structure and function (PolyPhen-2) suggests that this variant is likely to be disruptive. In summary, the available evidence is currently insufficient to determine the role of this variant in disease. Therefore, it has been classified as a Variant of Uncertain Significance.

Ambry Genetics
Classification: Uncertain significance for Cardiovascular phenotype. Last evaluated: 2019-10-02. Review status: criteria provided, single submitter. Criteria: Ambry Variant Classification Scheme 2023. Collection method: clinical testing. Allele origin: germline.
Comment: The p.R74G variant (also known as c.220C>G), located in coding exon 5 of the TNNI3 gene, results from a C to G substitution at nucleotide position 220. The arginine at codon 74 is replaced by glycine, an amino acid with dissimilar properties. This variant has been detected in a hypertrophic cardiomyopathy cohort; however, details were limited (Cecconi M et al. Int. J. Mol. Med., 2016 Oct;38:1111-24). Other variants affecting this codon (p.R74P and p.R74S) have been reported in cardiomyopathy cohorts (Boda U et al. J. Genet., 2009 Dec;88:373-7; Hayashi T et al. J. Hum. Genet., 2018 Sep;63:989-996). This amino acid position is well conserved in available vertebrate species. In addition, the in silico prediction for this alteration is inconclusive. Since supporting evidence is limited at this time, the clinical significance of this alteration remains unclear.

Literature cited by the submitters: PubMed 27600940 (cited by 3 submitters); PubMed 20086309 (cited by Ambry Genetics); PubMed 29907873 (cited by Ambry Genetics).